The following is an entry in ClinVar:

NM_024598.4(USB1):c.380T>G (p.Val127Gly)

Gene: USB1 (U6 snRNA biogenesis phosphodiesterase 1; plus strand). Cytogenetic location: 16q21.
Variant type: single nucleotide variant.
Coding change: c.380T>G on transcript NM_024598.4 (MANE Select); coding-DNA position 380, T replaced by G.
Protein change: p.Val127Gly; replaces valine 127 with glycine.
Molecular consequence: missense variant.
Genome position (GRCh38, 1-based): chr16:58,010,043, T>G. VCF-style: chr16-58010043-T-G. GRCh37 (hg19) VCF-style: chr16-58043947-T-G.
Other names: c.380T>G, p.Val127Gly (NM_001195302.2, NM_001204911.2, NM_001330569.2); c.227T>G, p.Val76Gly (NM_001330568.2); short protein forms V127G, V76G.
Identifiers: ClinVar variation 5031609 (VCV005031609.1).

ClinVar aggregate classification (germline): Uncertain significance (1 of 4 stars; one submission).

Conditions:
Inborn genetic diseases. Identifiers: MedGen C0950123, MeSH D030342.

Submission:

Ambry Genetics
Classification: Uncertain significance for Inborn genetic diseases. Last evaluated: 2026-07-04. Review status: criteria provided, single submitter. Criteria: Ambry Variant Classification Scheme 2023. Collection method: clinical testing. Allele origin: germline.
Comment: The p.V127G variant (also known as c.380T>G), located in coding exon 3 of the USB1 gene, results from a T to G substitution at nucleotide position 380. The valine at codon 127 is replaced by glycine, an amino acid with dissimilar properties. This amino acid position is conserved. In addition, this alteration is predicted to be deleterious by in silico analysis. Based on the available evidence, the clinical significance of this variant remains unclear.